The following is an entry in ClinVar:

NM_000059.4(BRCA2):c.7434A>C (p.Leu2478Phe)

Gene: BRCA2 (BRCA2 DNA repair associated; plus strand). Cytogenetic location: 13q13.1.
Variant type: single nucleotide variant.
Coding change: c.7434A>C on transcript NM_000059.4 (MANE Select); coding-DNA position 7434, A replaced by C.
Protein change: p.Leu2478Phe; replaces leucine 2478 with phenylalanine.
Molecular consequence: missense variant.
Genome position (GRCh38, 1-based): chr13:32,355,287, A>C. VCF-style: chr13-32355287-A-C. GRCh37 (hg19) VCF-style: chr13-32929424-A-C.
Other names: short protein forms L2478F.
Identifiers: ClinVar variation 660398 (VCV000660398.15), dbSNP rs1593918707, ClinGen allele CA387742126.

ClinVar aggregate classification (germline): Uncertain significance. Review status: criteria provided, multiple submitters, no conflicts (2 of 4 stars). 3 submissions from 3 submitters: Uncertain significance (3). Last evaluated 2026-02-18.

Conditions:
Hereditary breast ovarian cancer syndrome. Also called: Hereditary breast and/or ovarian cancer syndrome; Breast and ovarian cancer; Hereditary breast and ovarian cancer; Hereditary breast and ovarian cancer syndrome (HBOC); Hereditary breast and ovarian cancer syndrome; BRCA1- and BRCA2-Associated Hereditary Breast and Ovarian Cancer. Identifiers: Orphanet 145, MedGen C0677776, MeSH D061325, MONDO:0003582. Disease mechanism: loss of function.
Hereditary cancer-predisposing syndrome. Also called: Neoplastic Syndromes, Hereditary; Hereditary neoplastic syndrome; Tumor predisposition; Hereditary Cancer Syndrome. Identifiers: Orphanet 140162, MedGen C0027672, MeSH D009386, MONDO:0015356.

Allele frequency attached by ClinVar (database versions not stated): gnomAD exomes below 0.00001.
gnomAD v4.1: 1 of 1,613,664 alleles (0.000062%); highest among the groups gnomAD compares: Non-Finnish European, 0.000085%; no homozygotes.

Submissions (3):

Ambry Genetics
Classification: Uncertain significance for Hereditary cancer-predisposing syndrome. Last evaluated: 2026-02-18. Review status: criteria provided, single submitter. Criteria: Ambry Variant Classification Scheme 2023. Collection method: clinical testing. Allele origin: germline.
Comment: The p.L2478F variant (also known as c.7434A>C), located in coding exon 13 of the BRCA2 gene, results from an A to C substitution at nucleotide position 7434. The leucine at codon 2478 is replaced by phenylalanine, an amino acid with highly similar properties. This amino acid position is well conserved in available vertebrate species. In addition, this alteration is predicted to be tolerated by in silico analysis. Based on the available evidence, the clinical significance of this variant remains unclear.

Women's Health and Genetics/Laboratory Corporation of America, LabCorp
Classification: Uncertain significance. Last evaluated: 2019-04-15. Review status: criteria provided, single submitter. Criteria: LabCorp Variant Classification Summary - May 2015. Collection method: clinical testing. Allele origin: germline.
Comment: Variant summary: BRCA2 c.7434A>C (p.Leu2478Phe) results in a non-conservative amino acid change in the encoded protein sequence. Three of five in-silico tools predict a benign effect of the variant on protein function. The variant was absent in 250528 control chromosomes (gnomAD). The available data on variant occurrences in the general population are insufficient to allow any conclusion about variant significance. The variant, c.7434A>C, has been reported in the literature in individuals affected with breast cancer (Tung_2016). This report does not provide unequivocal conclusions about association of the variant with Hereditary Breast and Ovarian Cancer. To our knowledge, no experimental evidence demonstrating an impact on protein function has been reported. No clinical diagnostic laboratories have submitted clinical-significance assessments for this variant to ClinVar after 2014. Based on the evidence outlined above, the variant was classified as uncertain significance.

Labcorp Genetics (formerly Invitae), Labcorp
Classification: Uncertain significance for Hereditary breast ovarian cancer syndrome. Last evaluated: 2018-09-04. Review status: criteria provided, single submitter. Criteria: Invitae Variant Classification Sherloc (09022015). Collection method: clinical testing. Allele origin: germline.
Comment: This variant has not been reported in the literature in individuals with BRCA2-related disease. This sequence change replaces leucine with phenylalanine at codon 2478 of the BRCA2 protein (p.Leu2478Phe). The leucine residue is weakly conserved and there is a small physicochemical difference between leucine and phenylalanine. This variant is not present in population databases (ExAC no frequency). Algorithms developed to predict the effect of missense changes on protein structure and function are either unavailable or do not agree on the potential impact of this missense change (SIFT: "Tolerated"; PolyPhen-2: "Probably Damaging"; Align-GVGD: "Class C0"). Algorithms developed to predict the effect of sequence changes on RNA splicing suggest that this variant may disrupt the consensus splice site, but this prediction has not been confirmed by published transcriptional studies. In summary, the available evidence is currently insufficient to determine the role of this variant in disease. Therefore, it has been classified as a Variant of Uncertain Significance.

Literature cited by the submitters: PubMed 26976419 (cited by Ambry Genetics and Women's Health and Genetics/Laboratory Corporation of America, LabCorp).